The following is an entry in ClinVar:

NM_002471.4(MYH6):c.4752_4753delinsAT (p.Met1585Leu)

Genes: MYH6 (myosin heavy chain 6; minus strand), LOC126861896 (BRD4-independent group 4 enhancer GRCh37_chr14:23854904-23856103; plus strand). Cytogenetic location: 14q11.2.
Variant type: Indel.
Coding change: c.4752_4753delinsAT on transcript NM_002471.4 (MANE Select); coding-DNA positions 4752 to 4753, GA replaced by AT.
Protein change: p.Met1585Leu; replaces methionine 1585 with leucine.
Molecular consequence: missense variant.
Genome position (GRCh38, 1-based): chr14:23,386,521-23,386,522, TC replaced by AT on the plus strand (GA replaced by AT on the coding strand, the reverse complement: MYH6 is on the minus strand). VCF-style: chr14-23386521-TC-AT. GRCh37 (hg19) VCF-style: chr14-23855730-TC-AT.
Other names: short protein forms M1585L.
Identifiers: ClinVar variation 2413102 (VCV002413102.5), dbSNP rs2502143923, ClinGen allele CA2580087931.

ClinVar aggregate classification (germline): Uncertain significance. Review status: criteria provided, multiple submitters, no conflicts (2 of 4 stars). 3 submissions from 3 submitters: Uncertain significance (3). Last evaluated 2025-03-24.

Conditions:
Hypertrophic cardiomyopathy 14. Identifiers: MedGen C2750467, MONDO:0013197, OMIM 613251.
Cardiovascular phenotype. Identifiers: MedGen CN230736.

Submissions (3):

Labcorp Genetics (formerly Invitae), Labcorp
Classification: Uncertain significance for Hypertrophic cardiomyopathy 14. Last evaluated: 2025-03-24. Review status: criteria provided, single submitter. Criteria: Invitae Variant Classification Sherloc (09022015). Collection method: clinical testing. Allele origin: germline.
Comment: This sequence change replaces methionine, which is neutral and non-polar, with leucine, which is neutral and non-polar, at codon 1585 of the MYH6 protein (p.Met1585Leu). Information on the frequency of this variant in the gnomAD database is not available, as this variant may be reported differently in the database. This variant has not been reported in the literature in individuals affected with MYH6-related conditions. ClinVar contains an entry for this variant (Variation ID: 2413102). Experimental studies and prediction algorithms are not available or were not evaluated, and the functional significance of this variant is currently unknown. In summary, the available evidence is currently insufficient to determine the role of this variant in disease. Therefore, it has been classified as a Variant of Uncertain Significance.

Ambry Genetics
Classification: Uncertain significance for Cardiovascular phenotype. Last evaluated: 2023-10-04. Review status: criteria provided, single submitter. Criteria: Ambry Variant Classification Scheme 2023. Collection method: clinical testing. Allele origin: germline.
Comment: The c.4752_4753delGAinsAT variant (also known as p.M1585L), located in coding exon 31 of the MYH6 gene, results from an in-frame deletion of GA and insertion of AT at nucleotide positions 4752 to 4753. This results in the substitution of the methionine residue for a leucine residue at codon 1585, an amino acid with highly similar properties. This amino acid position is well conserved in available vertebrate species. In addition, this alteration is predicted to be neutral by in silico analysis (Choi Y et al. PLoS ONE. 2012; 7(10):e46688). Since supporting evidence is limited at this time, the clinical significance of this alteration remains unclear.

GeneDx
Classification: Uncertain significance. Last evaluated: 2022-07-13. Review status: criteria provided, single submitter. Criteria: GeneDx Variant Classification Process June 2021. Collection method: clinical testing. Allele origin: germline. Affected: yes.
Comment: Not observed at significant frequency in large population cohorts (gnomAD); In silico analysis supports that this variant does not alter protein structure/function; Has not been previously published as pathogenic or benign to our knowledge